The following is an entry in ClinVar:

NM_001024630.4(RUNX2):c.470_472delinsATC (p.Met157_Ala158delinsAsnPro)

Gene: RUNX2 (RUNX family transcription factor 2; plus strand). Cytogenetic location: 6p21.1.
Variant type: Indel.
Coding change: c.470_472delinsATC on transcript NM_001024630.4 (MANE Select); coding-DNA positions 470 to 472, TGG replaced by ATC.
Protein change: p.Met157_Ala158delinsAsnPro.
Molecular consequence: missense variant.
Genome position (GRCh38, 1-based): chr6:45,431,909-45,431,911, TGG replaced by ATC. VCF-style: chr6-45431909-TGG-ATC. GRCh37 (hg19) VCF-style: chr6-45399646-TGG-ATC.
Other names: c.470_472delinsATC, p.Met157_Ala158delinsAsnPro (NM_001015051.4); c.428_430delinsATC, p.Met143_Ala144delinsAsnPro (NM_001278478.2, NM_001369405.1); c.428_430delTGGinsATC, p.Met143_Ala144delinsAsnPro (NM_004348.3).
Identifiers: ClinVar variation 2766022 (VCV002766022.3), dbSNP rs2548589113, ClinGen allele CA2697553387.

ClinVar aggregate classification (germline): Uncertain significance (1 of 4 stars; one submission).

Submission:

Labcorp Genetics (formerly Invitae), Labcorp
Classification: Uncertain significance. Last evaluated: 2023-10-05. Review status: criteria provided, single submitter. Criteria: Invitae Variant Classification Sherloc (09022015). Collection method: clinical testing. Allele origin: germline.
Comment: This variant, c.470_472delinsATC, is a complex sequence change that results in the deletion of 2 and insertion of 2 amino acid(s) in the RUNX2 protein (p.Met157_Ala158delinsAsnPro). Information on the frequency of this variant in the gnomAD database is not available, as this variant may be reported differently in the database. This variant has not been reported in the literature in individuals affected with RUNX2-related conditions. Experimental studies and prediction algorithms are not available or were not evaluated, and the functional significance of this variant is currently unknown. In summary, the available evidence is currently insufficient to determine the role of this variant in disease. Therefore, it has been classified as a Variant of Uncertain Significance.